The following is an entry in ClinVar:

ClinVar aggregate classification (germline): Uncertain significance. Review status: criteria provided, multiple submitters, no conflicts (2 of 4 stars). 2 submissions from 2 submitters: Uncertain significance (2). Last evaluated 2021-08-31.

Conditions:
Charcot-Marie-Tooth disease axonal type 2S. Also called: CHARCOT-MARIE-TOOTH DISEASE, AXONAL, AUTOSOMAL RECESSIVE, TYPE 2S; CHARCOT-MARIE-TOOTH NEUROPATHY, TYPE 2S. Identifiers: Orphanet 443073, MedGen C4015349, MONDO:0014511, OMIM 616155.
Autosomal recessive distal spinal muscular atrophy 1. Also called: HMN VI; NEURONOPATHY, SEVERE INFANTILE AXONAL, WITH RESPIRATORY FAILURE; SEVERE INFANTILE AXONAL NEUROPATHY WITH RESPIRATORY FAILURE; SPINAL MUSCULAR ATROPHY, DIAPHRAGMATIC; Spinal muscular atrophy with respiratory distress 1; NEURONOPATHY, DISTAL HEREDITARY MOTOR, HARDING TYPE VI. Identifiers: Orphanet 98920, MedGen C1858517, MONDO:0011436, OMIM 604320.

Allele frequency attached by ClinVar (database versions not stated): gnomAD exomes below 0.00001 and 0.00001; TOPMed below 0.00001; gnomAD 0.00001.
gnomAD v4.1: 10 of 1,613,782 alleles (0.00062%); highest among the groups gnomAD compares: Non-Finnish European, 0.00085%; no homozygotes.

Submissions (2):

Labcorp Genetics (formerly Invitae), Labcorp
Classification: Uncertain significance for Autosomal recessive distal spinal muscular atrophy 1; Charcot-Marie-Tooth disease axonal type 2S. Last evaluated: 2021-08-31. Review status: criteria provided, single submitter. Criteria: Invitae Variant Classification Sherloc (09022015). Collection method: clinical testing. Allele origin: germline.
Comment: This sequence change replaces glycine with arginine at codon 719 of the IGHMBP2 protein (p.Gly719Arg). The glycine residue is weakly conserved and there is a moderate physicochemical difference between glycine and arginine. This variant is not present in population databases (ExAC no frequency). This variant has not been reported in the literature in individuals affected with IGHMBP2-related conditions. ClinVar contains an entry for this variant (Variation ID: 452185). Algorithms developed to predict the effect of missense changes on protein structure and function output the following: SIFT: "Tolerated"; PolyPhen-2: "Benign"; Align-GVGD: "Class C0". The arginine amino acid residue is found in multiple mammalian species, which suggests that this missense change does not adversely affect protein function. In summary, the available evidence is currently insufficient to determine the role of this variant in disease. Therefore, it has been classified as a Variant of Uncertain Significance.

GeneDx
Classification: Uncertain significance. Last evaluated: 2017-09-19. Review status: criteria provided, single submitter. Criteria: GeneDx Variant Classification (06012015). Collection method: clinical testing. Allele origin: germline. Affected: yes.
Comment: A variant of uncertain significance has been identified in the the IGHMBP2 gene. The G719R variant has not been published as a pathogenic variant, nor has it been reported as a benign variant to our knowledge. The G719R variant is not observed in large population cohorts (Lek et al., 2016). The G719R variant is a non-conservative amino acid substitution, which is likely to impact secondary protein structure as these residues differ in polarity, charge, size and/or other properties. However, this substitution occurs at a position that is not conserved, and in silico analysis predicts this variant is probably not damaging to the protein structure/function. Therefore, based on the currently available information, it is unclear whether this variant is a pathogenic variant or a rare benign variant.

NM_002180.3(IGHMBP2):c.2155G>A (p.Gly719Arg)

Gene: IGHMBP2 (immunoglobulin mu DNA binding protein 2; plus strand). Cytogenetic location: 11q13.3.
Variant type: single nucleotide variant.
Coding change: c.2155G>A on transcript NM_002180.3 (MANE Select); coding-DNA position 2155, G replaced by A.
Protein change: p.Gly719Arg; replaces glycine 719 with arginine.
Molecular consequence: missense variant.
Genome position (GRCh38, 1-based): chr11:68,936,635, G>A. VCF-style: chr11-68936635-G-A. GRCh37 (hg19) VCF-style: chr11-68704103-G-A.
Other names: short protein forms G719R.
Identifiers: ClinVar variation 452185 (VCV000452185.8), dbSNP rs1191974842, ClinGen allele CA381652920.